The following is an entry in ClinVar:

NC_000023.10:g.(?_132670132)_(133634127_?)del

Genes: HPRT1 (hypoxanthine phosphoribosyltransferase 1; plus strand), MIR106A (microRNA 106a; minus strand), GPC3 (glypican 3; minus strand), MIR19B2 (microRNA 19b-2; minus strand), CCDC160 (coiled-coil domain containing 160; plus strand) and 1 more. Cytogenetic location: Xq26.2-26.3.
Variant type: Deletion.
Identifiers: ClinVar variation 1076613 (VCV001076613.1).

ClinVar aggregate classification (germline): Pathogenic (1 of 4 stars; one submission).

Conditions:
Partial hypoxanthine-guanine phosphoribosyltransferase deficiency. Also called: HPRT1 DEFICIENCY, PARTIAL; Kelley-Seegmiller Syndrome; HPRT DEFICIENCY, PARTIAL; HYPOXANTHINE GUANINE PHOSPHORIBOSYLTRANSFERASE 1 DEFICIENCY, PARTIAL; GOUT, HPRT-RELATED. Identifiers: Orphanet 79233, MedGen C0268117, MONDO:0010299, OMIM 300323.
Lesch-Nyhan syndrome (LNS). Also called: Lesch-Nyhan Disease (LND); HPRT DEFICIENCY, COMPLETE. Identifiers: Orphanet 510, MedGen C0023374, MONDO:0010298, OMIM 300322.

Submission:

Labcorp Genetics (formerly Invitae), Labcorp
Classification: Pathogenic for Lesch-Nyhan syndrome; Partial hypoxanthine-guanine phosphoribosyltransferase deficiency. Last evaluated: 2020-07-14. Review status: criteria provided, single submitter. Criteria: Invitae Variant Classification Sherloc (09022015). Collection method: clinical testing. Allele origin: germline.
Comment: A gross deletion of the genomic region encompassing the full coding sequence of the HPRT1 gene has been identified. The boundaries of this event are unknown as the deletion extends beyond the assayed region for this gene and therefore may encompass additional genes. Similar deletions have been observed in individual(s) with Lesch-Nyhan disease (PMID: 11018746, 23975452, 6087154). Loss-of-function variants in HPRT1 are known to be pathogenic (PMID: 15571220, 17027311, 22157001). For these reasons, this variant has been classified as Pathogenic.

Literature cited by the submitters: PubMed 11018746; PubMed 23975452; PubMed 6087154; PubMed 15571220; PubMed 17027311; PubMed 22157001.